The following is an entry in ClinVar:

ClinVar aggregate classification (germline): Uncertain significance (1 of 4 stars; one submission).

Allele frequency attached by ClinVar (database versions not stated): gnomAD exomes below 0.00001.
gnomAD v4.1: 2 of 1,614,090 alleles (0.00012%); highest among the groups gnomAD compares: Non-Finnish European, 0.00017%; no homozygotes.

Submission:

Labcorp Genetics (formerly Invitae), Labcorp
Classification: Uncertain significance. Last evaluated: 2022-08-22. Review status: criteria provided, single submitter. Criteria: Invitae Variant Classification Sherloc (09022015). Collection method: clinical testing. Allele origin: germline.
Comment: This sequence change replaces proline, which is neutral and non-polar, with serine, which is neutral and polar, at codon 251 of the ICK protein (p.Pro251Ser). This variant is not present in population databases (gnomAD no frequency). In summary, the available evidence is currently insufficient to determine the role of this variant in disease. Therefore, it has been classified as a Variant of Uncertain Significance. Algorithms developed to predict the effect of missense changes on protein structure and function (SIFT, PolyPhen-2, Align-GVGD) all suggest that this variant is likely to be disruptive. This variant has not been reported in the literature in individuals affected with ICK-related conditions.

NM_014920.5(CILK1):c.751C>T (p.Pro251Ser)

Gene: CILK1 (ciliogenesis associated kinase 1; minus strand). Cytogenetic location: 6p12.1.
Variant type: single nucleotide variant.
Coding change: c.751C>T on transcript NM_014920.5 (MANE Select); coding-DNA position 751, C replaced by T.
Protein change: p.Pro251Ser; replaces proline 251 with serine.
Molecular consequence: missense variant. On other transcripts: non-coding transcript variant (1).
Genome position (GRCh38, 1-based): chr6:53,016,163, G>A on the plus strand (C>T on the coding strand, the complement: CILK1 is on the minus strand). VCF-style: chr6-53016163-G-A. GRCh37 (hg19) VCF-style: chr6-52880961-G-A.
Other names: c.751C>T, p.Pro251Ser (NM_001375397.1, NM_001375398.1, NM_001375399.1 and 4 more transcripts); short protein forms P251S.
Identifiers: ClinVar variation 2065781 (VCV002065781.4), dbSNP rs2533273202, ClinGen allele CA364470364.